The following is an entry in ClinVar:

NM_001256007.3(PNPLA8):c.730G>A (p.Gly244Arg)

Gene: PNPLA8 (patatin like domain 8, phospholipase A2; minus strand). Cytogenetic location: 7q31.1.
Variant type: single nucleotide variant.
Coding change: c.730G>A on transcript NM_001256007.3 (MANE Select); coding-DNA position 730, G replaced by A.
Protein change: p.Gly244Arg; replaces glycine 244 with arginine.
Molecular consequence: missense variant.
Genome position (GRCh38, 1-based): chr7:108,514,762, C>T on the plus strand (G>A on the coding strand, the complement: PNPLA8 is on the minus strand). VCF-style: chr7-108514762-C-T. GRCh37 (hg19) VCF-style: chr7-108155206-C-T.
Other names: c.730G>A, p.Gly244Arg (NM_001256008.3, NM_001256009.3, NM_015723.5); c.430G>A, p.Gly144Arg (NM_001256010.3, NM_001256011.3); short protein forms G244R, G144R.
Identifiers: ClinVar variation 1949799 (VCV001949799.5), dbSNP rs1863190225, ClinGen allele CA368898168.

ClinVar aggregate classification (germline): Uncertain significance (1 of 4 stars; one submission).

Allele frequency attached by ClinVar (database versions not stated): gnomAD exomes below 0.00001; TOPMed 0.00001.

Submission:

Labcorp Genetics (formerly Invitae), Labcorp
Classification: Uncertain significance. Last evaluated: 2022-03-27. Review status: criteria provided, single submitter. Criteria: Invitae Variant Classification Sherloc (09022015). Collection method: clinical testing. Allele origin: germline.
Comment: This variant has not been reported in the literature in individuals affected with PNPLA8-related conditions. In summary, the available evidence is currently insufficient to determine the role of this variant in disease. Therefore, it has been classified as a Variant of Uncertain Significance. Algorithms developed to predict the effect of missense changes on protein structure and function output the following: SIFT: "Tolerated"; PolyPhen-2: "Benign"; Align-GVGD: "Class C0". The arginine amino acid residue is found in multiple mammalian species, which suggests that this missense change does not adversely affect protein function. This variant is not present in population databases (gnomAD no frequency). This sequence change replaces glycine, which is neutral and non-polar, with arginine, which is basic and polar, at codon 244 of the PNPLA8 protein (p.Gly244Arg).